The following is an entry in ClinVar:

NM_001375808.2(LPIN2):c.1074G>A (p.Met358Ile)

Gene: LPIN2 (lipin 2; minus strand). Cytogenetic location: 18p11.31.
Variant type: single nucleotide variant.
Coding change: c.1074G>A on transcript NM_001375808.2 (MANE Select); coding-DNA position 1074, G replaced by A.
Protein change: p.Met358Ile; replaces methionine 358 with isoleucine.
Molecular consequence: missense variant.
Genome position (GRCh38, 1-based): chr18:2,937,786, C>T on the plus strand (G>A on the coding strand, the complement: LPIN2 is on the minus strand). VCF-style: chr18-2937786-C-T. GRCh37 (hg19) VCF-style: chr18-2937784-C-T.
Other names: c.1074G>A, p.Met358Ile (NM_001375809.1, NM_014646.2); short protein forms M358I.
Identifiers: ClinVar variation 1485122 (VCV001485122.8), dbSNP rs750095569, ClinGen allele CA8873221.

ClinVar aggregate classification (germline): Uncertain significance. Review status: criteria provided, multiple submitters, no conflicts (2 of 4 stars). 3 submissions from 3 submitters: Uncertain significance (3). Last evaluated 2024-11-12.

Conditions:
Majeed syndrome (MJDS). Also called: CHRONIC RECURRENT MULTIFOCAL OSTEOMYELITIS 1, WITH CONGENITAL DYSERYTHROPOIETIC ANEMIA, WITH OR WITHOUT NEUTROPHILIC DERMATOSIS; LPIN2-Related Majeed Syndrome. Identifiers: Orphanet 77297, MedGen C1864997, MONDO:0012316, OMIM 609628.
Inborn genetic diseases. Identifiers: MedGen C0950123, MeSH D030342.

Allele frequency attached by ClinVar (database versions not stated): gnomAD exomes 0.00002 and 0.00004; TOPMed 0.00002; ExAC 0.00006.
gnomAD v4.1: 11 of 1,614,128 alleles (0.00068%); highest among the groups gnomAD compares: Admixed American, 0.018%; no homozygotes.

Submissions (3):

Revvity Omics, Revvity
Classification: Uncertain significance for Majeed syndrome. Last evaluated: 2024-11-12. Review status: criteria provided, single submitter. Criteria: ACMG Guidelines, 2015. Collection method: clinical testing. Allele origin: germline.

Ambry Genetics
Classification: Uncertain significance for Inborn genetic diseases. Last evaluated: 2024-09-09. Review status: criteria provided, single submitter. Criteria: Ambry Variant Classification Scheme 2023. Collection method: clinical testing. Allele origin: germline.

Labcorp Genetics (formerly Invitae), Labcorp
Classification: Uncertain significance for Majeed syndrome. Last evaluated: 2021-08-31. Review status: criteria provided, single submitter. Criteria: Invitae Variant Classification Sherloc (09022015). Collection method: clinical testing. Allele origin: germline.
Comment: This sequence change replaces methionine with isoleucine at codon 358 of the LPIN2 protein (p.Met358Ile). The methionine residue is weakly conserved and there is a small physicochemical difference between methionine and isoleucine. This variant is present in population databases (rs750095569, ExAC 0.06%), including at least one homozygous and/or hemizygous individual. This variant has not been reported in the literature in individuals affected with LPIN2-related conditions. Algorithms developed to predict the effect of missense changes on protein structure and function (SIFT, PolyPhen-2, Align-GVGD) all suggest that this variant is likely to be tolerated. In summary, the available evidence is currently insufficient to determine the role of this variant in disease. Therefore, it has been classified as a Variant of Uncertain Significance.